The following is an entry in ClinVar:

NM_005219.5(DIAPH1):c.3490C>T (p.Arg1164Ter)

Gene: DIAPH1 (diaphanous related formin 1; minus strand). Cytogenetic location: 5q31.3.
Variant type: single nucleotide variant.
Coding change: c.3490C>T on transcript NM_005219.5 (MANE Select); coding-DNA position 3490, C replaced by T.
Protein change: p.Arg1164Ter; replaces arginine 1164 with a stop codon.
Molecular consequence: nonsense.
Genome position (GRCh38, 1-based): chr5:141,526,122, G>A on the plus strand (C>T on the coding strand, the complement: DIAPH1 is on the minus strand). VCF-style: chr5-141526122-G-A. GRCh37 (hg19) VCF-style: chr5-140905689-G-A.
Other names: c.3463C>T, p.Arg1155Ter (NM_001079812.3); c.3490C>T, p.Arg1164Ter (NM_001314007.2); short protein forms R1155*, R1164*.
Identifiers: ClinVar variation 1027661 (VCV001027661.2), dbSNP rs753100456, ClinGen allele CA3478773.

ClinVar aggregate classification (germline): Pathogenic. Review status: criteria provided, single submitter (1 of 4 stars). 2 submissions from 2 submitters: Pathogenic (1). 1 of the submissions does not count toward it. Last evaluated 2024-06-18.

Conditions:
Neonatal seizure. Also called: neonatal seizures. Identifiers: MedGen C0159020, HP:0032807.
Progressive microcephaly-seizures-cortical blindness-developmental delay syndrome. Also called: Seizures, cortical blindness, and microcephaly syndrome. Identifiers: Orphanet 477814, MedGen C5567650, MONDO:0014714, OMIM 616632.

Allele frequency attached by ClinVar (database versions not stated): gnomAD exomes below 0.00001; TOPMed below 0.00001; ExAC 0.00001.
gnomAD v4.1: 4 of 1,613,972 alleles (0.00025%); highest among the groups gnomAD compares: Middle Eastern, 0.016%; no homozygotes.

Submissions (2):

3billion
Classification: Pathogenic for Progressive microcephaly-seizures-cortical blindness-developmental delay syndrome. Last evaluated: 2024-06-18. Review status: criteria provided, single submitter. Criteria: ACMG Guidelines, 2015. Collection method: clinical testing. Allele origin: germline. Affected: yes.
Comment: The variant is observed at an extremely low frequency in the gnomAD v4.0.0 dataset (total allele frequency: <0.001%). Predicted Consequence/Location: Stop-gained (nonsense): predicted to result in a loss or disruption of normal protein function through nonsense-mediated decay (NMD) or protein truncation. Multiple pathogenic variants are reported downstream of the variant. The variant has been reported to be associated with DIAPH1 related disorder (ClinVar ID: VCV001027661). Therefore, this variant is classified as Pathogenic according to the recommendation of ACMG/AMP guideline.

Institute of Human Genetics, University of Wuerzburg
Classification: Likely pathogenic for Neonatal seizure. Review status: no assertion criteria provided. Collection method: clinical testing. Allele origin: unknown. Not counted in ClinVar's aggregate classification.